The following is an entry in ClinVar:

ClinVar aggregate classification (germline): Uncertain significance (1 of 4 stars; one submission).

Allele frequency attached by ClinVar (database versions not stated): gnomAD exomes below 0.00001.
gnomAD v4.1: 6 of 1,614,116 alleles (0.00037%); highest among the groups gnomAD compares: African/African-American, 0.0027%; no homozygotes.

Submission:

Labcorp Genetics (formerly Invitae), Labcorp
Classification: Uncertain significance. Last evaluated: 2022-06-08. Review status: criteria provided, single submitter. Criteria: Invitae Variant Classification Sherloc (09022015). Collection method: clinical testing. Allele origin: germline.
Comment: This sequence change replaces alanine, which is neutral and non-polar, with serine, which is neutral and polar, at codon 240 of the SLC34A1 protein (p.Ala240Ser). This variant is not present in population databases (gnomAD no frequency). This variant has not been reported in the literature in individuals affected with SLC34A1-related conditions. Algorithms developed to predict the effect of missense changes on protein structure and function (SIFT, PolyPhen-2, Align-GVGD) all suggest that this variant is likely to be tolerated. In summary, the available evidence is currently insufficient to determine the role of this variant in disease. Therefore, it has been classified as a Variant of Uncertain Significance.

NM_003052.5(SLC34A1):c.718G>T (p.Ala240Ser)

Gene: SLC34A1 (solute carrier family 34 member 1; plus strand). Cytogenetic location: 5q35.3.
Variant type: single nucleotide variant.
Coding change: c.718G>T on transcript NM_003052.5 (MANE Select); coding-DNA position 718, G replaced by T.
Protein change: p.Ala240Ser; replaces alanine 240 with serine.
Molecular consequence: missense variant.
Genome position (GRCh38, 1-based): chr5:177,388,067, G>T. VCF-style: chr5-177388067-G-T. GRCh37 (hg19) VCF-style: chr5-176815068-G-T.
Other names: c.718G>T, p.Ala240Ser (NM_001167579.2); short protein forms A240S.
Identifiers: ClinVar variation 1912982 (VCV001912982.2), dbSNP rs2481014165, ClinGen allele CA362365290.